The following is an entry in ClinVar:

ClinVar aggregate classification (germline): Uncertain significance. Review status: criteria provided, multiple submitters, no conflicts (2 of 4 stars). 6 submissions from 6 submitters: Uncertain significance (6). Last evaluated 2026-02-01.

Conditions:
Oto-palato-digital syndrome, type II (OPD2). Also called: FACIOPALATOOSSEOUS SYNDROME; OPD II SYNDROME; Otopalatodigital Syndrome Type 2 (FLNA-OPD2); Otopalatodigital Syndrome, Type II. Identifiers: Orphanet 669, Orphanet 90652, MedGen C1844696, MONDO:0010571, OMIM 304120.
Heterotopia, periventricular, X-linked dominant (PVNH1). Also called: PERIVENTRICULAR NODULAR HETEROTOPIA 1; X-linked periventricular heterotopia; PERIVENTRICULAR NODULAR HETEROTOPIA 4; HETEROTOPIA, PERIVENTRICULAR, 1. Identifiers: Orphanet 2149, Orphanet 82004, MedGen C1848213, MONDO:0010233, OMIM 300049.
Frontometaphyseal dysplasia (FMD1). Identifiers: Orphanet 1826, MedGen C0265293, MONDO:0015942.
Melnick-Needles syndrome (MNS). Also called: MELNICK-NEEDLES OSTEODYSPLASTY; OSTEODYSPLASTY OF MELNICK AND NEEDLES; Melnick-Needles Syndrome (FLNA-MNS). Identifiers: Orphanet 2484, MedGen C0025237, MONDO:0010650, OMIM 309350.
Familial thoracic aortic aneurysm and aortic dissection (TAAD). Also called: Thoracic aortic aneurysms and dissections. Identifiers: Orphanet 91387, MedGen C4707243, MONDO:0019625.

Allele frequency attached by ClinVar (database versions not stated): gnomAD exomes 0.00001.
gnomAD v4.1: 16 of 1,211,441 alleles (0.0013%); highest among the groups gnomAD compares: Non-Finnish European, 0.0017%; no homozygotes.

Submissions (6):

Labcorp Genetics (formerly Invitae), Labcorp
Classification: Uncertain significance for Oto-palato-digital syndrome, type II; Heterotopia, periventricular, X-linked dominant; Frontometaphyseal dysplasia; Melnick-Needles syndrome. Last evaluated: 2026-02-01. Review status: criteria provided, single submitter. Criteria: Invitae Variant Classification Sherloc (09022015). Collection method: clinical testing. Allele origin: germline.
Comment: This sequence change replaces glutamic acid, which is acidic and polar, with aspartic acid, which is acidic and polar, at codon 2227 of the FLNA protein (p.Glu2227Asp). This variant is not present in population databases (gnomAD no frequency). This variant has not been reported in the literature in individuals affected with FLNA-related conditions. ClinVar contains an entry for this variant (Variation ID: 377188). Invitae Evidence Modeling of protein sequence and biophysical properties (such as structural, functional, and spatial information, amino acid conservation, physicochemical variation, residue mobility, and thermodynamic stability) indicates that this missense variant is not expected to disrupt FLNA protein function with a negative predictive value of 95%. In summary, the available evidence is currently insufficient to determine the role of this variant in disease. Therefore, it has been classified as a Variant of Uncertain Significance.

Women's Health and Genetics/Laboratory Corporation of America, LabCorp
Classification: Uncertain significance. Last evaluated: 2025-09-05. Review status: criteria provided, single submitter. Criteria: LabCorp Variant Classification Summary - May 2015. Collection method: clinical testing. Allele origin: germline.

Mayo Clinic Laboratories, Mayo Clinic
Classification: Uncertain significance. Last evaluated: 2025-05-27. Review status: criteria provided, single submitter. Criteria: ACMG Guidelines, 2015. Collection method: clinical testing. Allele origin: germline. Observed: 1 variant allele.
Comment: PM2_supporting

ARUP Laboratories, Molecular Genetics and Genomics, ARUP Laboratories
Classification: Uncertain significance. Last evaluated: 2024-05-30. Review status: criteria provided, single submitter. Criteria: ARUP Molecular Germline Variant Investigation Process 2024. Collection method: clinical testing. Allele origin: germline.
Comment: The FLNA c.6681A>C; p.Glu2227Asp variant (rs1057520156), to our knowledge, is not reported in the medical literature but is reported in ClinVar (Variation ID: 377188). This variant is absent from the Genome Aggregation Database (v2.1.1), indicating it is not a common polymorphism. Computational analyses are uncertain whether this variant is neutral or deleterious (REVEL: 0.373). Due to limited information, the clinical significance of this variant is uncertain at this time.

Ambry Genetics
Classification: Uncertain significance for Familial thoracic aortic aneurysm and aortic dissection. Last evaluated: 2023-01-27. Review status: criteria provided, single submitter. Criteria: Ambry Variant Classification Scheme 2023. Collection method: clinical testing. Allele origin: germline.
Comment: The p.E2227D variant (also known as c.6681A>C), located in coding exon 39 of the FLNA gene, results from an A to C substitution at nucleotide position 6681. The glutamic acid at codon 2227 is replaced by aspartic acid, an amino acid with highly similar properties. This amino acid position is highly conserved in available vertebrate species. In addition, the in silico prediction for this alteration is inconclusive. Since supporting evidence is limited at this time, the clinical significance of this alteration remains unclear.

Center for Pediatric Genomic Medicine, Children's Mercy Hospital and Clinics
Classification: Uncertain significance. Last evaluated: 2016-09-01. Review status: criteria provided, single submitter. Criteria: ACMG Guidelines, 2015. Collection method: clinical testing. Allele origin: germline.
ClinVar note: Converted during submission from Uncertain Significance to Uncertain significance.

NM_001110556.2(FLNA):c.6705A>C (p.Glu2235Asp)

Gene: FLNA (filamin A; minus strand). Cytogenetic location: Xq28.
Variant type: single nucleotide variant.
Coding change: c.6705A>C on transcript NM_001110556.2 (MANE Select); coding-DNA position 6705, A replaced by C.
Protein change: p.Glu2235Asp; replaces glutamic acid 2235 with aspartic acid.
Molecular consequence: missense variant.
Genome position (GRCh38, 1-based): chrX:154,352,245, T>G on the plus strand (A>C on the coding strand, the complement: FLNA is on the minus strand). VCF-style: chrX-154352245-T-G. GRCh37 (hg19) VCF-style: chrX-153580613-T-G.
Other names: p.Glu2227Asp; c.6681A>C, p.Glu2227Asp (NM_001456.4); c.6681A>C (NM_001456.3); short protein forms E2235D, E2227D.
Identifiers: ClinVar variation 377188 (VCV000377188.12), dbSNP rs1057520156, ClinGen allele CA16603295.
Genomic context (GRCh38, chrX:154,352,245, plus strand): 5'-CACTCCAGCTTCAGCTCTCTCCAGGCCAGGGCCCCCAGCTCGGACCTTGTGGGCTCCCCC[T>G]TCCCCTAGGGGCCCCACGGTGAACTGGAAGGGGCTCCCAGGCACGTGCTGGCCCTTGTAC-3'
Protein context (NP_001104026.1, residues 2225-2245): PFQFTVGPLG[Glu2235Asp]GGAHKVRAGG